The following is an entry in ClinVar:

NM_005245.4(FAT1):c.6079C>T (p.Arg2027Cys)

Gene: FAT1 (FAT atypical cadherin 1; minus strand). Cytogenetic location: 4q35.2.
Variant type: single nucleotide variant.
Coding change: c.6079C>T on transcript NM_005245.4 (MANE Select); coding-DNA position 6079, C replaced by T.
Protein change: p.Arg2027Cys; replaces arginine 2027 with cysteine.
Molecular consequence: missense variant.
Genome position (GRCh38, 1-based): chr4:186,620,507, G>A on the plus strand (C>T on the coding strand, the complement: FAT1 is on the minus strand). VCF-style: chr4-186620507-G-A. GRCh37 (hg19) VCF-style: chr4-187541661-G-A.
Other names: short protein forms R2027C.
Identifiers: ClinVar variation 2755606 (VCV002755606.2), dbSNP rs199867416, ClinGen allele CA3166319.

ClinVar aggregate classification (germline): Uncertain significance (1 of 4 stars; one submission).

Allele frequency attached by ClinVar (database versions not stated): gnomAD 0.00009; ExAC 0.00012; TOPMed 0.00017; ESP Exome Variant Server 0.00041.
gnomAD v4.1: 191 of 1,613,834 alleles (0.012%); highest among the groups gnomAD compares: African/African-American, 0.016%; 1 homozygote.

Submission:

Labcorp Genetics (formerly Invitae), Labcorp
Classification: Uncertain significance. Last evaluated: 2024-10-14. Review status: criteria provided, single submitter. Criteria: Invitae Variant Classification Sherloc (09022015). Collection method: clinical testing. Allele origin: germline.
Comment: This sequence change replaces arginine, which is basic and polar, with cysteine, which is neutral and slightly polar, at codon 2027 of the FAT1 protein (p.Arg2027Cys). This variant is present in population databases (rs199867416, gnomAD 0.02%), including at least one homozygous and/or hemizygous individual. This variant has not been reported in the literature in individuals affected with FAT1-related conditions. Invitae Evidence Modeling of protein sequence and biophysical properties (such as structural, functional, and spatial information, amino acid conservation, physicochemical variation, residue mobility, and thermodynamic stability) indicates that this missense variant is not expected to disrupt FAT1 protein function with a negative predictive value of 80%. In summary, the available evidence is currently insufficient to determine the role of this variant in disease. Therefore, it has been classified as a Variant of Uncertain Significance.